The following is an entry in ClinVar:

NM_002230.4(JUP):c.568G>A (p.Val190Met)

Gene: JUP (junction plakoglobin; minus strand). Cytogenetic location: 17q21.2.
Variant type: single nucleotide variant.
Coding change: c.568G>A on transcript NM_002230.4 (MANE Select); coding-DNA position 568, G replaced by A.
Protein change: p.Val190Met; replaces valine 190 with methionine.
Molecular consequence: missense variant.
Genome position (GRCh38, 1-based): chr17:41,769,108, C>T on the plus strand (G>A on the coding strand, the complement: JUP is on the minus strand). VCF-style: chr17-41769108-C-T. GRCh37 (hg19) VCF-style: chr17-39925360-C-T.
Other names: p.V190M:GTG>ATG; c.568G>A, p.Val190Met (NM_001352773.2, NM_001352774.2, NM_001352775.2 and 3 more transcripts); short protein forms V190M.
Identifiers: ClinVar variation 201814 (VCV000201814.17), dbSNP rs370143312, ClinGen allele CA308476.

ClinVar aggregate classification (germline): Conflicting classifications of pathogenicity. Review status: criteria provided, conflicting classifications (1 of 4 stars). 5 submissions from 5 submitters: Uncertain significance (3); Benign (1); Likely benign (1). Last evaluated 2025-12-24.

Conditions:
Cardiovascular phenotype. Identifiers: MedGen CN230736.
Arrhythmogenic right ventricular dysplasia 12. Also called: ARRHYTHMOGENIC RIGHT VENTRICULAR DYSPLASIA, FAMILIAL, 12. Identifiers: MedGen C1969081, MONDO:0012684, OMIM 611528.
Naxos disease (NXD). Also called: KERATOSIS PALMOPLANTARIS WITH ARRHYTHMOGENIC CARDIOMYOPATHY; MAL DE NAXOS; PALMOPLANTAR KERATODERMA WITH ARRHYTHMOGENIC RIGHT VENTRICULAR CARDIOMYOPATHY AND WOOLLY HAIR; WOOLLY HAIR, PALMOPLANTAR KERATODERMA, AND CARDIAC ABNORMALITIES; CARDIOMYOPATHY, ARRHYTHMOGENIC RIGHT VENTRICULAR, WITH SKIN, HAIR, AND NAIL ABNORMALITIES. Identifiers: Orphanet 34217, MedGen C1832600, MONDO:0011017, OMIM 601214.

Allele frequency attached by ClinVar (database versions not stated): gnomAD 0.00006; TOPMed 0.00006; 1000 Genomes Project 0.00020.
gnomAD v4.1: 32 of 1,612,046 alleles (0.002%); highest among the groups gnomAD compares: Admixed American, 0.022%; no homozygotes.

Submissions (5):

Labcorp Genetics (formerly Invitae), Labcorp
Classification: Uncertain significance for Arrhythmogenic right ventricular dysplasia 12; Naxos disease. Last evaluated: 2025-12-24. Review status: criteria provided, single submitter. Criteria: Invitae Variant Classification Sherloc (09022015). Collection method: clinical testing. Allele origin: germline.
Comment: This sequence change replaces valine, which is neutral and non-polar, with methionine, which is neutral and non-polar, at codon 190 of the JUP protein (p.Val190Met). This variant is present in population databases (rs370143312, gnomAD 0.03%). This variant has not been reported in the literature in individuals affected with JUP-related conditions. ClinVar contains an entry for this variant (Variation ID: 201814). An algorithm developed to predict the effect of missense changes on protein structure and function (PolyPhen-2) suggests that this variant is likely to be disruptive. In summary, the available evidence is currently insufficient to determine the role of this variant in disease. Therefore, it has been classified as a Variant of Uncertain Significance.

Ambry Genetics
Classification: Benign for Cardiovascular phenotype. Last evaluated: 2023-06-12. Review status: criteria provided, single submitter. Criteria: Ambry Variant Classification Scheme 2023. Collection method: clinical testing. Allele origin: germline.

GeneDx
Classification: Uncertain significance. Last evaluated: 2023-01-25. Review status: criteria provided, single submitter. Criteria: GeneDx Variant Classification Process June 2021. Collection method: clinical testing. Allele origin: germline. Affected: yes.
Comment: Has not been previously published as pathogenic or benign to our knowledge; In silico analysis supports that this missense variant has a deleterious effect on protein structure/function

Women's Health and Genetics/Laboratory Corporation of America, LabCorp
Classification: Likely benign. Last evaluated: 2019-12-16. Review status: criteria provided, single submitter. Criteria: LabCorp Variant Classification Summary - May 2015. Collection method: clinical testing. Allele origin: germline.
Comment: Variant summary: JUP c.568G>A (p.Val190Met) results in a conservative amino acid change in the encoded protein sequence. Three of five in-silico tools predict a damaging effect of the variant on protein function. The variant allele was found at a frequency of 6.9e-05 in 247284 control chromosomes, predominantly at a frequency of 0.00038 within the Latino subpopulation in the gnomAD database. The observed variant frequency within Latino control individuals in the gnomAD database is approximately 15 fold of the estimated maximal expected allele frequency for a pathogenic variant in JUP causing Cardiomyopathy phenotype (2.5e-05), strongly suggesting that the variant is a benign polymorphism found primarily in populations of Latino origin. To our knowledge, no occurrence of c.568G>A in individuals affected with Cardiomyopathy and no experimental evidence demonstrating its impact on protein function have been reported. One clinical diagnostic laboratory has submitted clinical-significance assessments for this variant to ClinVar after 2014 without evidence for independent evaluation and classified the variant as uncertain significance. Based on the evidence outlined above, the variant was classified as likely benign.

Revvity Omics, Revvity
Classification: Uncertain significance. Last evaluated: 2019-10-09. Review status: criteria provided, single submitter. Criteria: ACMG Guidelines, 2015. Collection method: clinical testing. Allele origin: germline.